The following is an entry in ClinVar:

NM_020631.6(PLEKHG5):c.111G>C (p.Leu37Phe)

Gene: PLEKHG5 (pleckstrin homology and RhoGEF domain containing G5; minus strand). Cytogenetic location: 1p36.31.
Variant type: single nucleotide variant.
Coding change: c.111G>C on transcript NM_020631.6 (MANE Select); coding-DNA position 111, G replaced by C.
Protein change: p.Leu37Phe; replaces leucine 37 with phenylalanine.
Molecular consequence: missense variant.
Genome position (GRCh38, 1-based): chr1:6,475,969, C>G on the plus strand (G>C on the coding strand, the complement: PLEKHG5 is on the minus strand). VCF-style: chr1-6475969-C-G. GRCh37 (hg19) VCF-style: chr1-6536029-C-G.
Other names: c.222G>C, p.Leu74Phe (NM_001042663.3, NM_001265592.2); c.111G>C, p.Leu37Phe (NM_001042664.2, NM_001042665.2, NM_001265594.3 and 1 more transcripts); c.318G>C, p.Leu106Phe (NM_001265593.2); short protein forms L106F, L74F, L37F.
Identifiers: ClinVar variation 1385560 (VCV001385560.6), dbSNP rs1244644253, ClinGen allele CA338141263.

ClinVar aggregate classification (germline): Uncertain significance (1 of 4 stars; one submission).

Conditions:
Neuronopathy, distal hereditary motor, autosomal recessive 4. Also called: Autosomal recessive lower motor neuron disease with childhood onset; NEUROPATHY, DISTAL HEREDITARY MOTOR, AUTOSOMAL RECESSIVE 4. Identifiers: Orphanet 206580, MedGen C1970211, MONDO:0012608, OMIM 611067.
Charcot-Marie-Tooth disease recessive intermediate C. Also called: CHARCOT-MARIE-TOOTH NEUROPATHY, RECESSIVE INTERMEDIATE C. Identifiers: Orphanet 369867, MedGen C3809309, MONDO:0014154, OMIM 615376.

gnomAD v4.1: 2 of 1,614,062 alleles (0.00012%); highest among the groups gnomAD compares: Non-Finnish European, 0.00017%; no homozygotes.

Submission:

Labcorp Genetics (formerly Invitae), Labcorp
Classification: Uncertain significance for Neuronopathy, distal hereditary motor, autosomal recessive 4; Charcot-Marie-Tooth disease recessive intermediate C. Last evaluated: 2021-10-09. Review status: criteria provided, single submitter. Criteria: Invitae Variant Classification Sherloc (09022015). Collection method: clinical testing. Allele origin: germline.
Comment: This sequence change replaces leucine with phenylalanine at codon 37 of the PLEKHG5 protein (p.Leu37Phe). The leucine residue is moderately conserved and there is a small physicochemical difference between leucine and phenylalanine. In summary, the available evidence is currently insufficient to determine the role of this variant in disease. Therefore, it has been classified as a Variant of Uncertain Significance. Algorithms developed to predict the effect of missense changes on protein structure and function are either unavailable or do not agree on the potential impact of this missense change (SIFT: "Tolerated"; PolyPhen-2: "Possibly Damaging"; Align-GVGD: "Class C0"). This variant has not been reported in the literature in individuals affected with PLEKHG5-related conditions. This variant is not present in population databases (ExAC no frequency).